The following is an entry in ClinVar:

NM_006950.3(SYN1):c.1627C>T (p.Pro543Ser)

Gene: SYN1 (synapsin I; minus strand). Cytogenetic location: Xp11.3.
Variant type: single nucleotide variant.
Coding change: c.1627C>T on transcript NM_006950.3 (MANE Select); coding-DNA position 1627, C replaced by T.
Protein change: p.Pro543Ser; replaces proline 543 with serine.
Molecular consequence: missense variant.
Genome position (GRCh38, 1-based): chrX:47,574,357, G>A on the plus strand (C>T on the coding strand, the complement: SYN1 is on the minus strand). VCF-style: chrX-47574357-G-A. GRCh37 (hg19) VCF-style: chrX-47433756-G-A.
Other names: c.1627C>T, p.Pro543Ser (NM_133499.2); short protein forms P543S.
Identifiers: ClinVar variation 3340301 (VCV003340301.1).

ClinVar aggregate classification (germline): Uncertain significance (1 of 4 stars; one submission).

Submission:

GeneDx
Classification: Uncertain significance. Last evaluated: 2023-10-27. Review status: criteria provided, single submitter. Criteria: GeneDx Variant Classification Process June 2021. Collection method: clinical testing. Allele origin: germline. Affected: yes.
Comment: Not observed at significant frequency in large population cohorts (gnomAD); In silico analysis supports that this missense variant does not alter protein structure/function; Has not been previously published as pathogenic or benign to our knowledge